The following is an entry in ClinVar:

ClinVar aggregate classification (germline): Uncertain significance (1 of 4 stars; one submission).

Conditions:
MYO18B-related disorder. Also called: MYO18B-related condition.

gnomAD v4.1: 7 of 1,613,854 alleles (0.00043%); highest among the groups gnomAD compares: Non-Finnish European, 0.00059%; no homozygotes.

Submission:

PreventionGenetics, part of Exact Sciences
Classification: Uncertain significance for MYO18B-related condition. Last evaluated: 2025-06-11. Review status: criteria provided, single submitter. Criteria: ACMG Guidelines, 2015. Collection method: clinical testing. Allele origin: germline.
Comment: The MYO18B c.1828G>T variant is predicted to result in the amino acid substitution p.Val610Phe. To our knowledge, this variant has not been reported in the literature. This variant is reported in 0.00089% of alleles in individuals of European (Non-Finnish) descent in gnomAD. At this time, the clinical significance of this variant is uncertain due to the absence of conclusive functional and genetic evidence.

NM_032608.7(MYO18B):c.1828G>T (p.Val610Phe)

Gene: MYO18B (myosin XVIIIB; plus strand). Cytogenetic location: 22q12.1.
Variant type: single nucleotide variant.
Coding change: c.1828G>T on transcript NM_032608.7 (MANE Select); coding-DNA position 1828, G replaced by T.
Protein change: p.Val610Phe; replaces valine 610 with phenylalanine.
Molecular consequence: missense variant.
Genome position (GRCh38, 1-based): chr22:25,772,469, G>T. VCF-style: chr22-25772469-G-T. GRCh37 (hg19) VCF-style: chr22-26168436-G-T.
Other names: c.1828G>T, p.Val610Phe (NM_001318245.2); short protein forms V610F.
Identifiers: ClinVar variation 4986065 (VCV004986065.1).